The following is an entry in ClinVar:

NM_014625.4(NPHS2):c.566T>G (p.Ile189Arg)

Gene: NPHS2 (NPHS2 stomatin family member, podocin; minus strand). Cytogenetic location: 1q25.2.
Variant type: single nucleotide variant.
Coding change: c.566T>G on transcript NM_014625.4 (MANE Select); coding-DNA position 566, T replaced by G.
Protein change: p.Ile189Arg; replaces isoleucine 189 with arginine.
Molecular consequence: missense variant. On other transcripts: intron variant (1).
Genome position (GRCh38, 1-based): chr1:179,557,199, A>C on the plus strand (T>G on the coding strand, the complement: NPHS2 is on the minus strand). VCF-style: chr1-179557199-A-C. GRCh37 (hg19) VCF-style: chr1-179526334-A-C.
Other names: c.534+2480T>G (NM_001297575.2); short protein forms I189R.
Identifiers: ClinVar variation 3061852 (VCV003061852.2), dbSNP rs1673966231, ClinGen allele CA343568202.

ClinVar aggregate classification (germline): Uncertain significance. Review status: criteria provided, multiple submitters, no conflicts (2 of 4 stars). 2 submissions from 2 submitters: Uncertain significance (2). Last evaluated 2025-06-27.

Conditions:
Nephrotic syndrome, type 2 (NPHS2). Also called: NEPHROTIC SYNDROME, STEROID-RESISTANT, AUTOSOMAL RECESSIVE. Identifiers: Orphanet 656, MedGen C1868672, MONDO:0010974, OMIM 600995.

Allele frequency attached by ClinVar (database versions not stated): gnomAD exomes below 0.00001; TOPMed below 0.00001; gnomAD 0.00001.

Submissions (2):

Labcorp Genetics (formerly Invitae), Labcorp
Classification: Uncertain significance. Last evaluated: 2025-06-27. Review status: criteria provided, single submitter. Criteria: Invitae Variant Classification Sherloc (09022015). Collection method: clinical testing. Allele origin: germline.
Comment: This sequence change replaces isoleucine, which is neutral and non-polar, with arginine, which is basic and polar, at codon 189 of the NPHS2 protein (p.Ile189Arg). This variant is not present in population databases (gnomAD no frequency). This missense change has been observed in individual(s) with steroid-resistant nephrotic syndrome (internal data). ClinVar contains an entry for this variant (Variation ID: 3061852). Invitae Evidence Modeling of protein sequence and biophysical properties (such as structural, functional, and spatial information, amino acid conservation, physicochemical variation, residue mobility, and thermodynamic stability) indicates that this missense variant is expected to disrupt NPHS2 protein function with a positive predictive value of 95%. In summary, the available evidence is currently insufficient to determine the role of this variant in disease. Therefore, it has been classified as a Variant of Uncertain Significance.

MVZ Medizinische Genetik Mainz
Classification: Uncertain significance for Nephrotic syndrome, type 2. Last evaluated: 2023-06-16. Review status: criteria provided, single submitter. Criteria: UK Practice Guidelines For Variant Classification V4 01 2020. Collection method: clinical testing. Allele origin: germline. Inheritance: Autosomal recessive inheritance. Affected: yes. Observed: 1 variant allele.
Comment: PP3_MOD,PM2_SUP,PM3_SUP